The following is an entry in ClinVar:

ClinVar aggregate classification (germline): Uncertain significance (1 of 4 stars; one submission).

Submission:

Labcorp Genetics (formerly Invitae), Labcorp
Classification: Uncertain significance. Last evaluated: 2025-11-23. Review status: criteria provided, single submitter. Criteria: Invitae Variant Classification Sherloc (09022015). Collection method: clinical testing. Allele origin: germline.
Comment: This sequence change replaces proline, which is neutral and non-polar, with threonine, which is neutral and polar, at codon 290 of the MKL1 protein (p.Pro290Thr). This variant is not present in population databases (gnomAD no frequency). This variant has not been reported in the literature in individuals affected with MKL1-related conditions. ClinVar contains an entry for this variant (Variation ID: 3617790). An algorithm developed to predict the effect of missense changes on protein structure and function (PolyPhen-2) suggests that this variant is likely to be disruptive. In summary, the available evidence is currently insufficient to determine the role of this variant in disease. Therefore, it has been classified as a Variant of Uncertain Significance.

NM_020831.6(MRTFA):c.1168C>A (p.Pro390Thr)

Gene: MRTFA (myocardin related transcription factor A; minus strand). Cytogenetic location: 22q13.1.
Variant type: single nucleotide variant.
Coding change: c.1168C>A on transcript NM_020831.6 (MANE Select); coding-DNA position 1168, C replaced by A.
Protein change: p.Pro390Thr; replaces proline 390 with threonine.
Molecular consequence: missense variant.
Genome position (GRCh38, 1-based): chr22:40,420,860, G>T on the plus strand (C>A on the coding strand, the complement: MRTFA is on the minus strand). VCF-style: chr22-40420860-G-T. GRCh37 (hg19) VCF-style: chr22-40816864-G-T.
Other names: c.868C>A, p.Pro290Thr (NM_001282660.2); c.1018C>A, p.Pro340Thr (NM_001282661.3); c.1168C>A, p.Pro390Thr (NM_001282662.3); c.973C>A, p.Pro325Thr (NM_001318139.2); short protein forms P290T, P325T, P340T, P390T.
Identifiers: ClinVar variation 3617790 (VCV003617790.2).